The following is an entry in ClinVar:

NM_002283.4(KRT85):c.549C>T (p.Ala183=)

Gene: KRT85 (keratin 85; minus strand). Cytogenetic location: 12q13.13.
Variant type: single nucleotide variant.
Coding change: c.549C>T on transcript NM_002283.4 (MANE Select); coding-DNA position 549, C replaced by T.
Protein change: p.Ala183=; no amino-acid change (alanine 183 retained).
Molecular consequence: synonymous variant.
Genome position (GRCh38, 1-based): chr12:52,365,042, G>A on the plus strand (C>T on the coding strand, the complement: KRT85 is on the minus strand). VCF-style: chr12-52365042-G-A. GRCh37 (hg19) VCF-style: chr12-52758826-G-A.
Other names: c.549C>T (NM_002283.3).
Identifiers: ClinVar variation 2055735 (VCV002055735.6), dbSNP rs149560920, ClinGen allele CA6578256.

ClinVar aggregate classification (germline): Likely benign. Review status: criteria provided, single submitter (1 of 4 stars). 2 submissions from 2 submitters: Likely benign (1). 1 of the submissions does not count toward it. Last evaluated 2025-07-30.

Conditions:
KRT85-related disorder. Also called: KRT85-related condition.

Allele frequency attached by ClinVar (database versions not stated): gnomAD 0.00025; ESP Exome Variant Server 0.00031; 1000 Genomes Project 0.00060; 1000 Genomes Project 30x 0.00062.
gnomAD v4.1: 269 of 1,613,480 alleles (0.017%); highest among the groups gnomAD compares: Admixed American, 0.077%; no homozygotes.

Submissions (2):

Labcorp Genetics (formerly Invitae), Labcorp
Classification: Likely benign. Last evaluated: 2025-07-30. Review status: criteria provided, single submitter. Criteria: Invitae Variant Classification Sherloc (09022015). Collection method: clinical testing. Allele origin: germline.

PreventionGenetics, part of Exact Sciences
Classification: Likely benign for KRT85-related condition. Last evaluated: 2019-08-07. Review status: no assertion criteria provided. Collection method: clinical testing. Allele origin: germline. Not counted in ClinVar's aggregate classification.
Comment: This variant is classified as likely benign based on ACMG/AMP sequence variant interpretation guidelines (Richards et al. 2015 PMID: 25741868, with internal and published modifications).